The following is an entry in ClinVar:

ClinVar aggregate classification (germline): Uncertain significance (1 of 4 stars; one submission).

Submission:

Women's Health and Genetics/Laboratory Corporation of America, LabCorp
Classification: Uncertain significance. Last evaluated: 2025-09-17. Review status: criteria provided, single submitter. Criteria: LabCorp Variant Classification Summary - May 2015. Collection method: clinical testing. Allele origin: germline.
Comment: Variant summary: SON c.5957G>T (p.Arg1986Leu) results in a non-conservative amino acid change in the encoded protein sequence. Algorithms developed to predict the effect of missense changes on protein structure and function are either unavailable or do not agree on the potential impact of this missense change. The variant was absent in 205084 control chromosomes. The available data on variant occurrences in the general population are insufficient to allow any conclusion about variant significance. To our knowledge, no occurrence of c.5957G>T in individuals affected with SON-related conditions and no experimental evidence demonstrating its impact on protein function have been reported. No submitters have cited clinical-significance assessments for this variant to ClinVar. Based on the evidence outlined above, the variant was classified as uncertain significance.

NM_138927.4(SON):c.5957G>T (p.Arg1986Leu)

Gene: SON (SON DNA and RNA binding protein; plus strand). Cytogenetic location: 21q22.11.
Variant type: single nucleotide variant.
Coding change: c.5957G>T on transcript NM_138927.4 (MANE Select); coding-DNA position 5957, G replaced by T.
Protein change: p.Arg1986Leu; replaces arginine 1986 with leucine.
Molecular consequence: missense variant. On other transcripts: non-coding transcript variant (1), intron variant (1).
Genome position (GRCh38, 1-based): chr21:33,555,188, G>T. VCF-style: chr21-33555188-G-T. GRCh37 (hg19) VCF-style: chr21-34927494-G-T.
Other names: c.5957G>T, p.Arg1986Leu (NM_001291411.2, NM_032195.3); c.245-1968G>T (NM_001291412.3); short protein forms R1986L.
Identifiers: ClinVar variation 4536147 (VCV004536147.1).